The following is an entry in ClinVar:

ClinVar aggregate classification (germline): Uncertain significance (1 of 4 stars; one submission).

Allele frequency attached by ClinVar (database versions not stated): ExAC 0.00001; gnomAD exomes 0.00001; gnomAD 0.00002; TOPMed 0.00002; 1000 Genomes Project 30x 0.00016; 1000 Genomes Project 0.00020.
gnomAD v4.1: 11 of 1,614,186 alleles (0.00068%); highest among the groups gnomAD compares: African/African-American, 0.012%; no homozygotes.

Submission:

Labcorp Genetics (formerly Invitae), Labcorp
Classification: Uncertain significance. Last evaluated: 2024-02-23. Review status: criteria provided, single submitter. Criteria: Invitae Variant Classification Sherloc (09022015). Collection method: clinical testing. Allele origin: germline.
Comment: This sequence change replaces valine, which is neutral and non-polar, with alanine, which is neutral and non-polar, at codon 539 of the MTTP protein (p.Val539Ala). This variant is present in population databases (rs200982624, gnomAD 0.01%). This variant has not been reported in the literature in individuals affected with MTTP-related conditions. ClinVar contains an entry for this variant (Variation ID: 1949664). Advanced modeling of protein sequence and biophysical properties (such as structural, functional, and spatial information, amino acid conservation, physicochemical variation, residue mobility, and thermodynamic stability) performed at Invitae indicates that this missense variant is not expected to disrupt MTTP protein function with a negative predictive value of 80%. In summary, the available evidence is currently insufficient to determine the role of this variant in disease. Therefore, it has been classified as a Variant of Uncertain Significance.

NM_001386140.1(MTTP):c.1616T>C (p.Val539Ala)

Gene: MTTP (microsomal triglyceride transfer protein; plus strand). Cytogenetic location: 4q23.
Variant type: single nucleotide variant.
Coding change: c.1616T>C on transcript NM_001386140.1 (MANE Select); coding-DNA position 1616, T replaced by C.
Protein change: p.Val539Ala; replaces valine 539 with alanine.
Molecular consequence: missense variant.
Genome position (GRCh38, 1-based): chr4:99,608,824, T>C. VCF-style: chr4-99608824-T-C. GRCh37 (hg19) VCF-style: chr4-100529981-T-C.
Other names: c.1616T>C, p.Val539Ala (NM_000253.4); c.1367T>C, p.Val456Ala (NM_001300785.2); short protein forms V456A, V539A.
Identifiers: ClinVar variation 1949664 (VCV001949664.3), dbSNP rs200982624, ClinGen allele CA3022143.